The following is an entry in ClinVar:

ClinVar aggregate classification (germline): Uncertain significance (1 of 4 stars; one submission).

Submission:

Ambry Genetics
Classification: Uncertain significance. Last evaluated: 2026-08-12. Review status: criteria provided, single submitter. Criteria: Ambry Variant Classification Scheme 2023. Collection method: clinical testing. Allele origin: germline.
Comment: The p.T959I variant (also known as c.2876C>T), located in coding exon 1 of the MLH3 gene, results from a C to T substitution at nucleotide position 2876. The threonine at codon 959 is replaced by isoleucine, an amino acid with similar properties. This amino acid position is not well conserved in available vertebrate species. In addition, this alteration is predicted to be tolerated by in silico analysis. Based on the available evidence, the clinical significance of this variant remains unclear.

NM_001040108.2(MLH3):c.2876C>T (p.Thr959Ile)

Gene: MLH3 (mutL homolog 3; minus strand). Cytogenetic location: 14q24.3.
Variant type: single nucleotide variant.
Coding change: c.2876C>T on transcript NM_001040108.2 (MANE Select); coding-DNA position 2876, C replaced by T.
Protein change: p.Thr959Ile; replaces threonine 959 with isoleucine.
Molecular consequence: missense variant.
Genome position (GRCh38, 1-based): chr14:75,046,780, G>A on the plus strand (C>T on the coding strand, the complement: MLH3 is on the minus strand). VCF-style: chr14-75046780-G-A. GRCh37 (hg19) VCF-style: chr14-75513483-G-A.
Other names: c.2876C>T, p.Thr959Ile (NM_014381.3); short protein forms T959I.
Identifiers: ClinVar variation 5024623 (VCV005024623.1).
Genomic context (GRCh38, chr14:75,046,780, plus strand): 5'-ACTTTAGAATTATTATAGGGCAATACCAAAGGAGTTTCTGATATCACACAGTTCTCTGTT[G>A]TATTGCTGTTAGAATGTGTTTTACTATTTTTATTAAAGGAATTATCCTGTGTGGCAGAAT-3'
Protein context (NP_001035197.1, residues 949-969): KNSKTHSNSN[Thr959Ile]TENCVISETP